The following is an entry in ClinVar:

NM_006939.4(SOS2):c.2272C>G (p.Pro758Ala)

Gene: SOS2 (SOS Ras/Rho guanine nucleotide exchange factor 2; minus strand). Cytogenetic location: 14q21.3.
Variant type: single nucleotide variant.
Coding change: c.2272C>G on transcript NM_006939.4 (MANE Select); coding-DNA position 2272, C replaced by G.
Protein change: p.Pro758Ala; replaces proline 758 with alanine.
Molecular consequence: missense variant.
Genome position (GRCh38, 1-based): chr14:50,150,120, G>C on the plus strand (C>G on the coding strand, the complement: SOS2 is on the minus strand). VCF-style: chr14-50150120-G-C. GRCh37 (hg19) VCF-style: chr14-50616838-G-C.
Other names: c.2173C>G, p.Pro725Ala (NM_001411020.1); short protein forms P725A, P758A.
Identifiers: ClinVar variation 2698112 (VCV002698112.3), dbSNP rs2502942327, ClinGen allele CA389643825.

ClinVar aggregate classification (germline): Uncertain significance (1 of 4 stars; one submission).

Conditions:
Noonan syndrome 9 (NS9). Identifiers: Orphanet 648, MedGen C4225282, MONDO:0014691, OMIM 616559.

gnomAD v4.1: 1 of 1,612,994 alleles (0.000062%); highest among the groups gnomAD compares: Non-Finnish European, 0.000085%; no homozygotes.

Submission:

Labcorp Genetics (formerly Invitae), Labcorp
Classification: Uncertain significance for Noonan syndrome 9. Last evaluated: 2023-12-04. Review status: criteria provided, single submitter. Criteria: Invitae Variant Classification Sherloc (09022015). Collection method: clinical testing. Allele origin: germline.
Comment: This sequence change replaces proline, which is neutral and non-polar, with alanine, which is neutral and non-polar, at codon 758 of the SOS2 protein (p.Pro758Ala). This variant is not present in population databases (gnomAD no frequency). This variant has not been reported in the literature in individuals affected with SOS2-related conditions. Advanced modeling of protein sequence and biophysical properties (such as structural, functional, and spatial information, amino acid conservation, physicochemical variation, residue mobility, and thermodynamic stability) performed at Invitae indicates that this missense variant is not expected to disrupt SOS2 protein function with a negative predictive value of 95%. In summary, the available evidence is currently insufficient to determine the role of this variant in disease. Therefore, it has been classified as a Variant of Uncertain Significance.